The following is an entry in ClinVar:

ClinVar aggregate classification (germline): Uncertain significance (1 of 4 stars; one submission).

Conditions:
Ichthyosis linearis circumflexa. Identifiers: MedGen C0265962, MONDO:0043106, HP:0025810.

Submission:

Labcorp Genetics (formerly Invitae), Labcorp
Classification: Uncertain significance for Ichthyosis linearis circumflexa. Last evaluated: 2022-01-02. Review status: criteria provided, single submitter. Criteria: Invitae Variant Classification Sherloc (09022015). Collection method: clinical testing. Allele origin: germline.
Comment: In summary, the available evidence is currently insufficient to determine the role of this variant in disease. Therefore, it has been classified as a Variant of Uncertain Significance. Algorithms developed to predict the effect of missense changes on protein structure and function are either unavailable or do not agree on the potential impact of this missense change (SIFT: "Deleterious"; PolyPhen-2: "Probably Damaging"; Align-GVGD: "Class C0"). This variant has not been reported in the literature in individuals affected with SPINK5-related conditions. This variant is not present in population databases (gnomAD no frequency). This sequence change replaces glutamic acid, which is acidic and polar, with aspartic acid, which is acidic and polar, at codon 589 of the SPINK5 protein (p.Glu589Asp).

NM_006846.4(SPINK5):c.1767G>C (p.Glu589Asp)

Gene: SPINK5 (serine peptidase inhibitor Kazal type 5; plus strand). Cytogenetic location: 5q32.
Variant type: single nucleotide variant.
Coding change: c.1767G>C on transcript NM_006846.4 (MANE Select); coding-DNA position 1767, G replaced by C.
Protein change: p.Glu589Asp; replaces glutamic acid 589 with aspartic acid.
Molecular consequence: missense variant.
Genome position (GRCh38, 1-based): chr5:148,111,842, G>C. VCF-style: chr5-148111842-G-C. GRCh37 (hg19) VCF-style: chr5-147491405-G-C.
Other names: c.1767G>C, p.Glu589Asp (NM_001127698.2, NM_001127699.2); short protein forms E589D.
Identifiers: ClinVar variation 2069880 (VCV002069880.4), dbSNP rs987099295, ClinGen allele CA128930065.